The following is an entry in ClinVar:

NM_001199397.3(NEK1):c.3567C>T (p.Asn1189=)

Gene: NEK1 (NIMA related kinase 1; minus strand). Cytogenetic location: 4q33.
Variant type: single nucleotide variant.
Coding change: c.3567C>T on transcript NM_001199397.3 (MANE Select); coding-DNA position 3567, C replaced by T.
Protein change: p.Asn1189=; no amino-acid change (asparagine 1189 retained).
Molecular consequence: synonymous variant. On other transcripts: non-coding transcript variant (1).
Genome position (GRCh38, 1-based): chr4:169,401,668, G>A on the plus strand (C>T on the coding strand, the complement: NEK1 is on the minus strand). VCF-style: chr4-169401668-G-A. GRCh37 (hg19) VCF-style: chr4-170322819-G-A.
Other names: c.3435C>T, p.Asn1145= (NM_001199398.3); c.3276C>T, p.Asn1092= (NM_001199399.3); c.3351C>T, p.Asn1117= (NM_001199400.3); c.3567C>T, p.Asn1189= (NM_001374418.1); c.3483C>T, p.Asn1161= (NM_001374419.1, NM_012224.4); c.3432C>T, p.Asn1144= (NM_001374420.1); c.3084C>T, p.Asn1028= (NM_001374421.1).
Identifiers: ClinVar variation 348092 (VCV000348092.25), dbSNP rs200710438, ClinGen allele CA3137141.

ClinVar aggregate classification (germline): Conflicting classifications of pathogenicity. Review status: criteria provided, conflicting classifications (1 of 4 stars). 5 submissions from 5 submitters: Uncertain significance (1); Likely benign (4). Last evaluated 2026-01-14.

Conditions:
Short-rib thoracic dysplasia 6 with or without polydactyly (SRTD6). Also called: POLYDACTYLY WITH NEONATAL CHONDRODYSTROPHY, TYPE II; SHORT-RIB THORACIC DYSPLASIA 6 WITHOUT POLYDACTYLY; Majewski Syndrome; SHORT-RIB THORACIC DYSPLASIA 6 WITH POLYDACTYLY; SHORT RIB-POLYDACTYLY SYNDROME, TYPE IIA. Identifiers: MedGen C0024507, MONDO:0009894, OMIM 263520.

Allele frequency attached by ClinVar (database versions not stated): 1000 Genomes Project 30x 0.00031; gnomAD 0.00038; 1000 Genomes Project 0.00040; TOPMed 0.00045; ESP Exome Variant Server 0.00048.
gnomAD v4.1: 666 of 1,613,624 alleles (0.041%); highest among the groups gnomAD compares: Middle Eastern, 0.066%; no homozygotes.

Submissions (5):

Labcorp Genetics (formerly Invitae), Labcorp
Classification: Likely benign for Short-rib thoracic dysplasia 6 with or without polydactyly. Last evaluated: 2026-01-14. Review status: criteria provided, single submitter. Criteria: Invitae Variant Classification Sherloc (09022015). Collection method: clinical testing. Allele origin: germline.

CeGaT Center for Human Genetics Tuebingen
Classification: Likely benign. Last evaluated: 2026-01-01. Review status: criteria provided, single submitter. Criteria: CeGaT Center For Human Genetics Tuebingen Variant Classification Criteria Version 2. Collection method: clinical testing. Allele origin: germline. Affected: yes. Observed: 3 variant alleles.
Comment: NEK1: BP4, BP7

Blueprint Genetics
Classification: Likely benign. Last evaluated: 2024-10-29. Review status: criteria provided, single submitter. Criteria: ACMG Guidelines, 2015. Collection method: clinical testing. Allele origin: germline.

GeneDx
Classification: Likely benign. Last evaluated: 2020-12-28. Review status: criteria provided, single submitter. Criteria: GeneDx Variant Classification Process June 2021. Collection method: clinical testing. Allele origin: germline. Affected: yes.

Illumina Laboratory Services, Illumina
Classification: Uncertain significance for Short-rib thoracic dysplasia 6 with or without polydactyly. Last evaluated: 2018-01-13. Review status: criteria provided, single submitter. Criteria: ICSL Variant Classification Criteria 13 December 2019. Collection method: clinical testing. Allele origin: germline.